The following is an entry in ClinVar:

NM_001127208.3(TET2):c.5152G>T (p.Val1718Leu)

Genes: TET2-AS1 (TET2 antisense RNA 1; minus strand), TET2 (tet methylcytosine dioxygenase 2; plus strand). Cytogenetic location: 4q24.
Variant type: single nucleotide variant.
Coding change: c.5152G>T on transcript NM_001127208.3 (MANE Select); coding-DNA position 5152, G replaced by T.
Protein change: p.Val1718Leu; replaces valine 1718 with leucine.
Molecular consequence: missense variant.
Genome position (GRCh38, 1-based): chr4:105,275,662, G>T. VCF-style: chr4-105275662-G-T. GRCh37 (hg19) VCF-style: chr4-106196819-G-T.
Other names: short protein forms V1718L.
Identifiers: ClinVar variation 135297 (VCV000135297.36), dbSNP rs142312318, ClinGen allele CA162258.

ClinVar aggregate classification (germline): Benign/Likely benign. Review status: criteria provided, multiple submitters, no conflicts (2 of 4 stars). 7 submissions from 7 submitters: Benign (3); Likely benign (2). 2 of the submissions do not count toward it. Last evaluated 2026-09-01.

Conditions:
TET2-related disorder. Also called: TET2-related condition.

Allele frequency attached by ClinVar (database versions not stated): 1000 Genomes Project 0.00060; 1000 Genomes Project 30x 0.00078; ExAC 0.00296; gnomAD exomes 0.00361; TOPMed 0.00399; gnomAD 0.00429 and 0.00448; ESP Exome Variant Server 0.00482.
gnomAD v4.1: 10,100 of 1,551,956 alleles (0.65%); highest among the groups gnomAD compares: Non-Finnish European, 0.8%; 35 homozygotes.

Submissions (7):

CeGaT Center for Human Genetics Tuebingen
Classification: Likely benign. Last evaluated: 2026-09-01. Review status: criteria provided, single submitter. Criteria: CeGaT Center For Human Genetics Tuebingen Variant Classification Criteria Version 2. Collection method: clinical testing. Allele origin: germline. Affected: yes. Observed: 14 variant alleles.
Comment: TET2: BP4, BS2

Labcorp Genetics (formerly Invitae), Labcorp
Classification: Benign. Last evaluated: 2026-02-01. Review status: criteria provided, single submitter. Criteria: Invitae Variant Classification Sherloc (09022015). Collection method: clinical testing. Allele origin: germline.

ARUP Laboratories, Molecular Genetics and Genomics, ARUP Laboratories
Classification: Likely benign. Last evaluated: 2025-02-21. Review status: criteria provided, single submitter. Criteria: ARUP Molecular Germline Variant Investigation Process 2024. Collection method: clinical testing. Allele origin: germline.

Mayo Clinic Laboratories, Mayo Clinic
Classification: Benign. Last evaluated: 2023-06-20. Review status: criteria provided, single submitter. Criteria: ACMG Guidelines, 2015. Collection method: clinical testing. Allele origin: germline. Observed: 3 variant alleles.
Comment: BS1, BS2, BP4

Breakthrough Genomics
Classification: Benign. Review status: criteria provided, single submitter. Criteria: ACMG Guidelines, 2015. Collection method: not provided. Allele origin: germline. Inheritance: Autosomal recessive inheritance. Affected: yes.

PreventionGenetics, part of Exact Sciences
Classification: Likely benign for TET2-related condition. Last evaluated: 2020-03-09. Review status: no assertion criteria provided. Collection method: clinical testing. Allele origin: germline. Not counted in ClinVar's aggregate classification.
Comment: This variant is classified as likely benign based on ACMG/AMP sequence variant interpretation guidelines (Richards et al. 2015 PMID: 25741868, with internal and published modifications).

ITMI
No classification provided. Condition: AllHighlyPenetrant. Last evaluated: 2013-09-19. Review status: no classification provided. Collection method: reference population. Allele origin: germline. Not counted in ClinVar's aggregate classification.
Comment: Please see associated publication for description of ethnicities

Literature cited by the submitters: PubMed 24728327 (cited by ITMI).